The following is an entry in ClinVar:

NC_000007.13:g.(?_95434042)_(96747209_?)del

Genes: C7orf76 (chromosome 7 open reading frame 76; minus strand), DLX5 (distal-less homeobox 5; minus strand), DLX6 (distal-less homeobox 6; plus strand), DYNC1I1 (dynein cytoplasmic 1 intermediate chain 1; plus strand), SDHAF3 (succinate dehydrogenase complex assembly factor 3; plus strand) and 2 more. Cytogenetic location: 7q21.3.
Variant type: Deletion.
Identifiers: ClinVar variation 1459945 (VCV001459945.4).

ClinVar aggregate classification (germline): Pathogenic (1 of 4 stars; one submission).

Submission:

Labcorp Genetics (formerly Invitae), Labcorp
Classification: Pathogenic. Last evaluated: 2022-07-14. Review status: criteria provided, single submitter. Criteria: Invitae Variant Classification Sherloc (09022015). Collection method: clinical testing. Allele origin: germline.
Comment: A gross deletion of the genomic region encompassing the full coding sequence of the DLX5 gene has been identified. Loss-of-function variants in DLX5 are known to be pathogenic (PMID: 25196357, 27085093). The boundaries of this event are unknown as they extend beyond the assayed region for this gene and therefore may encompass additional genes. This variant has not been reported in the literature in individuals affected with DLX5-related conditions. For these reasons, this variant has been classified as Pathogenic.

Literature cited by the submitters: PubMed 25196357; PubMed 27085093.